The following is an entry in ClinVar:

ClinVar aggregate classification (germline): Uncertain significance (1 of 4 stars; one submission).

Conditions:
Bethlem myopathy 1A. Also called: MYOPATHY, BENIGN CONGENITAL, WITH CONTRACTURES; Bethlem myopathy 1; Bethlem Muscular Dystrophy. Identifiers: Orphanet 610, MedGen CN029274, MONDO:0024530, OMIM 158810.

Allele frequency attached by ClinVar (database versions not stated): gnomAD exomes below 0.00001; gnomAD 0.00001; TOPMed 0.00001.
gnomAD v4.1: 4 of 1,614,018 alleles (0.00025%); highest among the groups gnomAD compares: Non-Finnish European, 0.00034%; no homozygotes.

Submission:

Labcorp Genetics (formerly Invitae), Labcorp
Classification: Uncertain significance for Bethlem myopathy 1A. Last evaluated: 2026-02-01. Review status: criteria provided, single submitter. Criteria: Invitae Variant Classification Sherloc (09022015). Collection method: clinical testing. Allele origin: germline.
Comment: This sequence change replaces asparagine, which is neutral and polar, with lysine, which is basic and polar, at codon 636 of the COL6A3 protein (p.Asn636Lys). This variant is not present in population databases (gnomAD no frequency). This variant has not been reported in the literature in individuals affected with COL6A3-related conditions. ClinVar contains an entry for this variant (Variation ID: 1992202). Invitae Evidence Modeling of protein sequence and biophysical properties (such as structural, functional, and spatial information, amino acid conservation, physicochemical variation, residue mobility, and thermodynamic stability) indicates that this missense variant is not expected to disrupt COL6A3 protein function with a negative predictive value of 95%. In summary, the available evidence is currently insufficient to determine the role of this variant in disease. Therefore, it has been classified as a Variant of Uncertain Significance.

NM_004369.4(COL6A3):c.1908C>G (p.Asn636Lys)

Gene: COL6A3 (collagen type VI alpha 3 chain; minus strand). Cytogenetic location: 2q37.3.
Variant type: single nucleotide variant.
Coding change: c.1908C>G on transcript NM_004369.4 (MANE Select); coding-DNA position 1908, C replaced by G.
Protein change: p.Asn636Lys; replaces asparagine 636 with lysine.
Molecular consequence: missense variant. On other transcripts: intron variant (1).
Genome position (GRCh38, 1-based): chr2:237,379,225, G>C on the plus strand (C>G on the coding strand, the complement: COL6A3 is on the minus strand). VCF-style: chr2-237379225-G-C. GRCh37 (hg19) VCF-style: chr2-238287868-G-C.
Other names: c.1290C>G, p.Asn430Lys (NM_057165.5, NM_057167.4); c.676+1690C>G (NM_057166.5); c.687C>G, p.Asn229Lys (NM_057164.5); short protein forms N430K, N636K, N229K.
Identifiers: ClinVar variation 1992202 (VCV001992202.4), dbSNP rs911916902, ClinGen allele CA67827161.